The following is an entry in ClinVar:

NM_000540.3(RYR1):c.4567A>G (p.Thr1523Ala)

Gene: RYR1 (ryanodine receptor 1; plus strand). Cytogenetic location: 19q13.2.
Variant type: single nucleotide variant.
Coding change: c.4567A>G on transcript NM_000540.3 (MANE Select); coding-DNA position 4567, A replaced by G.
Protein change: p.Thr1523Ala; replaces threonine 1523 with alanine.
Molecular consequence: missense variant.
Genome position (GRCh38, 1-based): chr19:38,478,547, A>G. VCF-style: chr19-38478547-A-G. GRCh37 (hg19) VCF-style: chr19-38969187-A-G.
Other names: c.4567A>G, p.Thr1523Ala (NM_001042723.2); short protein forms T1523A.
Identifiers: ClinVar variation 5017867 (VCV005017867.1).

ClinVar aggregate classification (germline): Uncertain significance (1 of 4 stars; one submission).

gnomAD v4.1: 3 of 1,614,104 alleles (0.00019%); highest among the groups gnomAD compares: South Asian, 0.0011%; no homozygotes.

Submission:

GeneDx
Classification: Uncertain significance. Last evaluated: 2026-03-31. Review status: criteria provided, single submitter. Criteria: GeneDx Variant Classification Process June 2021. Collection method: clinical testing. Allele origin: germline.
Comment: Not observed at significant frequency in large population cohorts (gnomAD); In silico analysis supports that this missense variant has a deleterious effect on protein structure/function; Has not been previously published as pathogenic or benign to our knowledge